The following is an entry in ClinVar:

ClinVar aggregate classification (germline): Uncertain significance (1 of 4 stars; one submission).

Conditions:
Hereditary cancer-predisposing syndrome. Also called: Hereditary Cancer Syndrome; Hereditary neoplastic syndrome; Tumor predisposition; Neoplastic Syndromes, Hereditary. Identifiers: Orphanet 140162, MedGen C0027672, MeSH D009386, MONDO:0015356.

Submission:

Ambry Genetics
Classification: Uncertain significance for Hereditary cancer-predisposing syndrome. Last evaluated: 2024-11-24. Review status: criteria provided, single submitter. Criteria: Ambry Variant Classification Scheme 2023. Collection method: clinical testing. Allele origin: germline.
Comment: The p.A161P variant (also known as c.481G>C), located in coding exon 1 of the ALK gene, results from a G to C substitution at nucleotide position 481. The alanine at codon 161 is replaced by proline, an amino acid with highly similar properties. This amino acid position is conserved. In addition, this alteration is predicted to be tolerated by in silico analysis. Based on the available evidence, the clinical significance of this variant remains unclear.

NM_004304.5(ALK):c.481G>C (p.Ala161Pro)

Gene: ALK (ALK receptor tyrosine kinase; minus strand). Cytogenetic location: 2p23.1.
Variant type: single nucleotide variant.
Coding change: c.481G>C on transcript NM_004304.5 (MANE Select); coding-DNA position 481, G replaced by C.
Protein change: p.Ala161Pro; replaces alanine 161 with proline.
Molecular consequence: missense variant.
Genome position (GRCh38, 1-based): chr2:29,920,179, C>G on the plus strand (G>C on the coding strand, the complement: ALK is on the minus strand). VCF-style: chr2-29920179-C-G. GRCh37 (hg19) VCF-style: chr2-30143045-C-G.
Other names: short protein forms A161P.
Identifiers: ClinVar variation 3525244 (VCV003525244.1).